The following is an entry in ClinVar:

ClinVar aggregate classification (germline): Uncertain significance (1 of 4 stars; one submission).

Conditions:
Dilated cardiomyopathy 1JJ (CMD1JJ). Identifiers: Orphanet 154, MedGen C3808935, MONDO:0014095, OMIM 615235.

Submission:

Labcorp Genetics (formerly Invitae), Labcorp
Classification: Uncertain significance for Dilated cardiomyopathy 1JJ. Last evaluated: 2021-06-01. Review status: criteria provided, single submitter. Criteria: Invitae Variant Classification Sherloc (09022015). Collection method: clinical testing. Allele origin: germline.
Comment: In summary, the available evidence is currently insufficient to determine the role of this variant in disease. Therefore, it has been classified as a Variant of Uncertain Significance. This sequence change falls in intron 14 of the LAMA4 gene. It does not directly change the encoded amino acid sequence of the LAMA4 protein. It affects a nucleotide within the consensus splice site of the intron. This variant is not present in population databases (ExAC no frequency). This variant has not been reported in the literature in individuals with LAMA4-related conditions. Nucleotide substitutions within the consensus splice site are a relatively common cause of aberrant splicing (PMID: 17576681, 9536098). Algorithms developed to predict the effect of sequence changes on RNA splicing suggest that this variant is not likely to affect RNA splicing, but this prediction has not been confirmed by published transcriptional studies.

Literature cited by the submitters: PubMed 17576681; PubMed 9536098.

NM_001105206.3(LAMA4):c.1817+6_1817+13del

Gene: LAMA4 (laminin subunit alpha 4; minus strand). Cytogenetic location: 6q21.
Variant type: Deletion.
Coding change: c.1817+6_1817+13del on transcript NM_001105206.3 (MANE Select); bases 6 to 13 of the intron after coding-DNA position 1817, 8 bases deleted (ATCCTGGT; older notation c.1817+6_1817+13delATCCTGGT).
Molecular consequence: intron variant.
Genome position (GRCh38, 1-based): chr6:112,158,719-112,158,726, ACCAGGAT deleted on the plus strand (ATCCTGGT on the coding strand, the reverse complement: LAMA4 is on the minus strand); deleting any 8 consecutive bases within chr6:112,158,719-112,158,727 gives the same sequence; the c. name uses the placement nearest the transcript's 3' end. VCF-style (leftmost placement, unchanged base first): chr6-112158718-AACCAGGAT-A. GRCh37 (hg19) VCF-style: chr6-112479920-AACCAGGAT-A.
Other names: c.1796+6_1796+13del (NM_002290.5, NM_001105207.3).
Identifiers: ClinVar variation 1358327 (VCV001358327.6), dbSNP rs2114797039, ClinGen allele CA2573140381.